The following is an entry in ClinVar:

ClinVar aggregate classification (germline): Likely benign. Review status: criteria provided, multiple submitters, no conflicts (2 of 4 stars). 3 submissions from 3 submitters: Likely benign (2). 1 of the submissions does not count toward it. Last evaluated 2024-11-06.

Conditions:
PRKCG-related disorder. Also called: PRKCG-related condition.

Allele frequency attached by ClinVar (database versions not stated): gnomAD 0.00002; gnomAD exomes 0.00002; ExAC 0.00004; TOPMed 0.00005.
gnomAD v4.1: 44 of 1,613,638 alleles (0.0027%); highest among the groups gnomAD compares: African/African-American, 0.004%; no homozygotes.

Submissions (3):

PreventionGenetics, part of Exact Sciences
Classification: Likely benign for PRKCG-related condition. Last evaluated: 2024-11-06. Review status: criteria provided, single submitter. Criteria: ACMG Guidelines, 2015. Collection method: clinical testing. Allele origin: germline.
Comment: This variant is classified as likely benign based on ACMG/AMP sequence variant interpretation guidelines (Richards et al. 2015 PMID: 25741868, with internal and published modifications).

Labcorp Genetics (formerly Invitae), Labcorp
Classification: Likely benign. Last evaluated: 2018-12-10. Review status: criteria provided, single submitter. Criteria: Invitae Variant Classification Sherloc (09022015). Collection method: clinical testing. Allele origin: germline.

Psychiatry Genetics Yale University
No classification provided. Review status: no classification provided. Collection method: not provided. Allele origin: not provided. Not counted in ClinVar's aggregate classification.

NM_002739.5(PRKCG):c.534C>T (p.Gly178=)

Gene: PRKCG (protein kinase C gamma; plus strand). Cytogenetic location: 19q13.42.
Variant type: single nucleotide variant.
Coding change: c.534C>T on transcript NM_002739.5 (MANE Select); coding-DNA position 534, C replaced by T.
Protein change: p.Gly178=; no amino-acid change (glycine 178 retained).
Molecular consequence: synonymous variant.
Genome position (GRCh38, 1-based): chr19:53,891,678, C>T. VCF-style: chr19-53891678-C-T. GRCh37 (hg19) VCF-style: chr19-54394932-C-T.
Other names: c.534C>T, p.Gly178= (NM_001316329.2).
Identifiers: ClinVar variation 98509 (VCV000098509.5), dbSNP rs367543207, ClinGen allele CA225969.